The following is an entry in ClinVar:

NM_003560.4(PLA2G6):c.91G>A (p.Asp31Asn)

Gene: PLA2G6 (phospholipase A2 group VI; minus strand). Cytogenetic location: 22q13.1.
Variant type: single nucleotide variant.
Coding change: c.91G>A on transcript NM_003560.4 (MANE Select); coding-DNA position 91, G replaced by A.
Protein change: p.Asp31Asn; replaces aspartic acid 31 with asparagine.
Molecular consequence: missense variant. On other transcripts: 5 prime UTR variant (3).
Genome position (GRCh38, 1-based): chr22:38,169,336, C>T on the plus strand (G>A on the coding strand, the complement: PLA2G6 is on the minus strand). VCF-style: chr22-38169336-C-T. GRCh37 (hg19) VCF-style: chr22-38565343-C-T.
Other names: c.91G>A, p.Asp31Asn (NM_001004426.3, NM_001199562.3, NM_001349864.2 and 2 more transcripts); c.-575G>A (NM_001349867.2, NM_001349869.2); c.-400G>A (NM_001349868.2); short protein forms D31N.
Identifiers: ClinVar variation 341650 (VCV000341650.71), dbSNP rs150024227, ClinGen allele CA10231378.

ClinVar aggregate classification (germline): Conflicting classifications of pathogenicity. Review status: criteria provided, conflicting classifications (1 of 4 stars). 9 submissions from 9 submitters: Uncertain significance (7); Likely benign (2). Last evaluated 2026-07-01.

Conditions:
PLA2G6-associated neurodegeneration (PLAN). Also called: phospholipase A2-associated neurodegeneration. Identifiers: Orphanet 329303, MedGen CN204472, MONDO:0017998.
Infantile neuroaxonal dystrophy (NBIA2A). Also called: Infantile neuroaxonal dystrophy 1; SEITELBERGER DISEASE; NEURODEGENERATION WITH BRAIN IRON ACCUMULATION 2A. Identifiers: Orphanet 35069, MedGen C0270724, MONDO:0024457, OMIM 256600.
Neurodegeneration with brain iron accumulation 2B. Also called: aNAD; atypical Neuroaxonal Dystrophy (aNAD); NEUROAXONAL DYSTROPHY, ATYPICAL; NEURODEGENERATION WITH BRAIN IRON ACCUMULATION, PLA2G6-RELATED. Identifiers: Orphanet 35069, MedGen C1857747, MONDO:0012444, OMIM 610217.
Autosomal recessive Parkinson disease 14. Also called: PARKINSON DISEASE 14; DYSTONIA-PARKINSONISM, ADULT-ONSET. Identifiers: Orphanet 199351, MedGen C2751842, MONDO:0013060, OMIM 612953.
Inborn genetic diseases. Identifiers: MedGen C0950123, MeSH D030342.

Allele frequency attached by ClinVar (database versions not stated): ESP Exome Variant Server 0.00031; gnomAD 0.00034 and 0.00035; TOPMed 0.00035; 1000 Genomes Project 0.00040; ExAC 0.00040; gnomAD exomes 0.00045 and 0.00046; 1000 Genomes Project 30x 0.00062.
gnomAD v4.1: 706 of 1,614,118 alleles (0.044%); highest among the groups gnomAD compares: Admixed American, 0.11%; 1 homozygote.

Submissions (9):

CeGaT Center for Human Genetics Tuebingen
Classification: Likely benign. Last evaluated: 2026-07-01. Review status: criteria provided, single submitter. Criteria: CeGaT Center For Human Genetics Tuebingen Variant Classification Criteria Version 2. Collection method: clinical testing. Allele origin: germline. Affected: yes. Observed: 5 variant alleles.
Comment: PLA2G6: BP4

Labcorp Genetics (formerly Invitae), Labcorp
Classification: Likely benign for Infantile neuroaxonal dystrophy. Last evaluated: 2026-01-28. Review status: criteria provided, single submitter. Criteria: Invitae Variant Classification Sherloc (09022015). Collection method: clinical testing. Allele origin: germline.

GeneDx
Classification: Uncertain significance. Last evaluated: 2025-07-02. Review status: criteria provided, single submitter. Criteria: GeneDx Variant Classification Process June 2021. Collection method: clinical testing. Allele origin: germline. Affected: yes.
Comment: Reported previously in two siblings with adult-onset Parkinson disease; however, a second PLA2G6 variant was not detected and information regarding parental testing was not available (PMID: 30042723); Observed in patient with brain iron accumulation in published literature; however, a pathogenic variant in another gene was also identified (PMID: 30169597); In silico analysis supports that this missense variant has a deleterious effect on protein structure/function; This variant is associated with the following publications: (PMID: 25294124, 32771225, 30042723, 37750340, 30169597)

Mayo Clinic Laboratories, Mayo Clinic
Classification: Uncertain significance. Last evaluated: 2025-03-19. Review status: criteria provided, single submitter. Criteria: ACMG Guidelines, 2015. Collection method: clinical testing. Allele origin: germline. Observed: 6 variant alleles.
Comment: BP4_moderate

Ambry Genetics
Classification: Uncertain significance for Inborn genetic diseases. Last evaluated: 2022-08-11. Review status: criteria provided, single submitter. Criteria: Ambry Variant Classification Scheme 2023. Collection method: clinical testing. Allele origin: germline.

Greenwood Genetic Center Diagnostic Laboratories, Greenwood Genetic Center
Classification: Uncertain significance. Last evaluated: 2022-06-27. Review status: criteria provided, single submitter. Criteria: ACMG Guidelines, 2015. Collection method: clinical testing. Allele origin: germline. Affected: yes.
Comment: No Applicable ACMG Criteria

Fulgent Genetics
Classification: Uncertain significance for Infantile neuroaxonal dystrophy; Neurodegeneration with brain iron accumulation 2B; Autosomal recessive Parkinson disease 14. Last evaluated: 2021-09-01. Review status: criteria provided, single submitter. Criteria: ACMG Guidelines, 2015. Collection method: clinical testing. Allele origin: unknown.

Department of Pathology and Laboratory Medicine, Sinai Health System
Classification: Uncertain significance for Infantile neuroaxonal dystrophy; Neurodegeneration with brain iron accumulation 2B; Autosomal recessive Parkinson disease 14. Last evaluated: 2021-07-30. Review status: criteria provided, single submitter. Criteria: ACMG Guidelines, 2015. Collection method: research. Allele origin: germline.

Illumina Laboratory Services, Illumina
Classification: Uncertain significance for PLA2G6-associated neurodegeneration. Last evaluated: 2018-01-13. Review status: criteria provided, single submitter. Criteria: ICSL Variant Classification Criteria 13 December 2019. Collection method: clinical testing. Allele origin: germline.

Literature cited by the submitters: PubMed 25294124 (cited by Mayo Clinic Laboratories, Mayo Clinic); PubMed 30042723 (cited by Mayo Clinic Laboratories, Mayo Clinic and Ambry Genetics); PubMed 30169597 (cited by Mayo Clinic Laboratories, Mayo Clinic and Ambry Genetics); PubMed 37750340 (cited by Mayo Clinic Laboratories, Mayo Clinic).